The following is an entry in ClinVar:

ClinVar aggregate classification (germline): Uncertain significance (1 of 4 stars; one submission).

Conditions:
Autosomal recessive limb-girdle muscular dystrophy type 2J (LGMDR10). Also called: Limb-girdle muscular dystrophy, type 2J; MUSCULAR DYSTROPHY, LIMB-GIRDLE, AUTOSOMAL RECESSIVE 10. Identifiers: Orphanet 140922, MedGen C1837342, MONDO:0012127, OMIM 608807.
Dilated cardiomyopathy 1G (CMD1G). Identifiers: Orphanet 154, MedGen C1858763, MONDO:0011400, OMIM 604145.

gnomAD v4.1: 2 of 1,613,236 alleles (0.00012%); highest among the groups gnomAD compares: East Asian, 0.0022%; no homozygotes.

Submission:

Labcorp Genetics (formerly Invitae), Labcorp
Classification: Uncertain significance for Dilated cardiomyopathy 1G; Autosomal recessive limb-girdle muscular dystrophy type 2J. Last evaluated: 2025-03-05. Review status: criteria provided, single submitter. Criteria: Invitae Variant Classification Sherloc (09022015). Collection method: clinical testing. Allele origin: germline.
Comment: This sequence change replaces serine, which is neutral and polar, with proline, which is neutral and non-polar, at codon 34895 of the TTN protein (p.Ser34895Pro). This variant is present in population databases (no rsID available, gnomAD 0.01%). This variant has not been reported in the literature in individuals affected with TTN-related conditions. Experimental studies and prediction algorithms are not available or were not evaluated, and the functional significance of this variant is currently unknown. This variant is located in the M band of TTN (PMID: 25589632). Non-truncating variants in this region may be relevant for neuromuscular disorders, but have not been definitively shown to cause cardiomyopathy (PMID: 23975875). In summary, the available evidence is currently insufficient to determine the role of this variant in disease. Therefore, it has been classified as a Variant of Uncertain Significance.

Literature cited by the submitters: PubMed 25589632; PubMed 23975875.

NM_001267550.2(TTN):c.104683T>C (p.Ser34895Pro)

Genes: TTN (titin; minus strand), TTN-AS1 (TTN antisense RNA 1; plus strand). Cytogenetic location: 2q31.2.
Variant type: single nucleotide variant.
Coding change: c.104683T>C on transcript NM_001267550.2 (MANE Select); coding-DNA position 104683, T replaced by C.
Protein change: p.Ser34895Pro; replaces serine 34895 with proline.
Molecular consequence: missense variant.
Genome position (GRCh38, 1-based): chr2:178,531,932, A>G on the plus strand (T>C on the coding strand, the complement: TTN is on the minus strand). VCF-style: chr2-178531932-A-G. GRCh37 (hg19) VCF-style: chr2-179396659-A-G.
Other names: c.99760T>C, p.Ser33254Pro (NM_001256850.1); c.77488T>C, p.Ser25830Pro (NM_003319.4); c.96979T>C, p.Ser32327Pro (NM_133378.4); c.77863T>C, p.Ser25955Pro (NM_133432.3); c.78064T>C, p.Ser26022Pro (NM_133437.4); short protein forms S32327P, S25830P, S26022P, S33254P, S25955P, S34895P.
Identifiers: ClinVar variation 4791732 (VCV004791732.1).